The following is an entry in ClinVar:

NM_033026.6(PCLO):c.1834G>A (p.Glu612Lys)

Gene: PCLO (piccolo presynaptic cytomatrix protein; minus strand). Cytogenetic location: 7q21.11.
Variant type: single nucleotide variant.
Coding change: c.1834G>A on transcript NM_033026.6 (MANE Select); coding-DNA position 1834, G replaced by A.
Protein change: p.Glu612Lys; replaces glutamic acid 612 with lysine.
Molecular consequence: missense variant.
Genome position (GRCh38, 1-based): chr7:83,154,807, C>T on the plus strand (G>A on the coding strand, the complement: PCLO is on the minus strand). VCF-style: chr7-83154807-C-T. GRCh37 (hg19) VCF-style: chr7-82784123-C-T.
Other names: c.1834G>A, p.Glu612Lys (NM_014510.3); c.1834G>A (NM_033026.5); short protein forms E612K.
Identifiers: ClinVar variation 1375488 (VCV001375488.4), dbSNP rs573470161, ClinGen allele CA4321380.
Genomic context (GRCh38, chr7:83,154,807, plus strand): 5'-CCTCCGTTAAATGAGGATTGGGATTAAAACCACAGAGACTACAGACAGTGGTTTGACACT[C>T]AGTGCATGTGTTAAAATTGGCCTTTTCTGGAACATGCAACAGAAGTTCAGTGGTATTGCA-3'
Protein context (NP_149015.2, residues 602-622): PEKANFNTCT[Glu612Lys]CQTTVCSLCG

ClinVar aggregate classification (germline): Uncertain significance. Review status: criteria provided, multiple submitters, no conflicts (2 of 4 stars). 2 submissions from 2 submitters: Uncertain significance (2). Last evaluated 2025-08-13.

Conditions:
Inborn genetic diseases. Identifiers: MedGen C0950123, MeSH D030342.

Allele frequency attached by ClinVar (database versions not stated): gnomAD 0.00003; gnomAD exomes 0.00005 and 0.00011; ExAC 0.00008; 1000 Genomes Project 30x 0.00078; 1000 Genomes Project 0.00100.
gnomAD v4.1: 79 of 1,613,934 alleles (0.0049%); highest among the groups gnomAD compares: South Asian, 0.076%; no homozygotes.

Submissions (2):

Ambry Genetics
Classification: Uncertain significance for Inborn genetic diseases. Last evaluated: 2025-08-13. Review status: criteria provided, single submitter. Criteria: Ambry Variant Classification Scheme 2023. Collection method: clinical testing. Allele origin: germline.

Labcorp Genetics (formerly Invitae), Labcorp
Classification: Uncertain significance. Last evaluated: 2022-03-19. Review status: criteria provided, single submitter. Criteria: Invitae Variant Classification Sherloc (09022015). Collection method: clinical testing. Allele origin: germline.
Comment: This sequence change replaces glutamic acid, which is acidic and polar, with lysine, which is basic and polar, at codon 612 of the PCLO protein (p.Glu612Lys). This variant is present in population databases (rs573470161, gnomAD 0.07%). This variant has not been reported in the literature in individuals affected with PCLO-related conditions. Algorithms developed to predict the effect of missense changes on protein structure and function are either unavailable or do not agree on the potential impact of this missense change (SIFT: "Deleterious"; PolyPhen-2: "Not Available"; Align-GVGD: "Class C0"). In summary, the available evidence is currently insufficient to determine the role of this variant in disease. Therefore, it has been classified as a Variant of Uncertain Significance.